The following is an entry in ClinVar:

ClinVar aggregate classification (germline): Likely benign (0 of 4 stars; one submission).

Conditions:
AURKB-related disorder. Also called: AURKB-related condition.

Allele frequency attached by ClinVar (database versions not stated): ExAC 0.00002; gnomAD 0.00004; TOPMed 0.00006.
gnomAD v4.1: 66 of 1,610,034 alleles (0.0041%); highest among the groups gnomAD compares: South Asian, 0.0055%; no homozygotes.

Submission:

PreventionGenetics, part of Exact Sciences
Classification: Likely benign for AURKB-related condition. Last evaluated: 2023-05-27. Review status: no assertion criteria provided. Collection method: clinical testing. Allele origin: germline.
Comment: This variant is classified as likely benign based on ACMG/AMP sequence variant interpretation guidelines (Richards et al. 2015 PMID: 25741868, with internal and published modifications).

NM_004217.4(AURKB):c.939G>A (p.Ser313=)

Gene: AURKB (aurora kinase B; minus strand). Cytogenetic location: 17p13.1.
Variant type: single nucleotide variant.
Coding change: c.939G>A on transcript NM_004217.4 (MANE Select); coding-DNA position 939, G replaced by A.
Protein change: p.Ser313=; no amino-acid change (serine 313 retained).
Molecular consequence: synonymous variant. On other transcripts: non-coding transcript variant (2).
Genome position (GRCh38, 1-based): chr17:8,204,967, C>T on the plus strand (G>A on the coding strand, the complement: AURKB is on the minus strand). VCF-style: chr17-8204967-C-T. GRCh37 (hg19) VCF-style: chr17-8108285-C-T.
Other names: c.816G>A, p.Ser272= (NM_001256834.3, NM_001313951.1); c.942G>A, p.Ser314= (NM_001284526.2); c.939G>A, p.Ser313= (NM_001313950.2); c.819G>A, p.Ser273= (NM_001313952.2); c.843G>A, p.Ser281= (NM_001313953.3); c.483G>A, p.Ser161= (NM_001313954.2); c.435G>A, p.Ser145= (NM_001313955.2).
Identifiers: ClinVar variation 3031939 (VCV003031939.2), dbSNP rs754393355, ClinGen allele CA8371322.
Genomic context (GRCh38, chr17:8,204,967, plus strand): 5'-CCTCCGAGAGTTGGCCCGGACCCAAGGGTGGGCTGAGACCTGGGCCAGGGGCAGCCGTTC[C>T]GAGGGGTTATGCCTGAGCAGTTTGGAGATGAGGTCCTGGGCTCCCATGGGCACGGAAGCG-3'
Protein context (NP_004208.2, residues 303-323): LISKLLRHNP[Ser313=]ERLPLAQVSA